The following is an entry in ClinVar:

NM_000377.3(WAS):c.632G>A (p.Arg211Gln)

Gene: WAS (WASP actin nucleation promoting factor; plus strand). Cytogenetic location: Xp11.23.
Variant type: single nucleotide variant.
Coding change: c.632G>A on transcript NM_000377.3 (MANE Select); coding-DNA position 632, G replaced by A.
Protein change: p.Arg211Gln; replaces arginine 211 with glutamine.
Molecular consequence: missense variant.
Genome position (GRCh38, 1-based): chrX:48,686,853, G>A. VCF-style: chrX-48686853-G-A. GRCh37 (hg19) VCF-style: chrX-48545242-G-A.
Other names: short protein forms R211Q.
Identifiers: ClinVar variation 2629542 (VCV002629542.4), dbSNP rs782584950, ClinGen allele CA10403962.

ClinVar aggregate classification (germline): Conflicting classifications of pathogenicity. Review status: criteria provided, conflicting classifications (1 of 4 stars). 2 submissions from 2 submitters: Uncertain significance (1); Likely benign (1). Last evaluated 2023-07-15.

Conditions:
WAS-related disorder. Also called: WAS-related condition; WAS-Related Disorders. Identifiers: MedGen CN381538.
X-linked severe congenital neutropenia (SCNX). Identifiers: Orphanet 86788, MedGen C1845987, MONDO:0010294, OMIM 300299.
Thrombocytopenia 1. Also called: X-linked thrombocytopenia with normal platelets; THROMBOCYTOPENIA, X-LINKED, 1; X-Linked Thrombocytopenia (XLT). Identifiers: Orphanet 268322, Orphanet 852, MedGen C1839163, MONDO:0010743, OMIM 313900.
Wiskott-Aldrich syndrome (WAS). Also called: ALDRICH SYNDROME; IMMUNODEFICIENCY 2; WISKOTT-ALDRICH SYNDROME 1; Wiskott-aldrich syndrome, somatic. Identifiers: Orphanet 906, MedGen C0043194, MONDO:0010518, OMIM 301000.

Allele frequency attached by ClinVar (database versions not stated): gnomAD exomes below 0.00001; TOPMed below 0.00001; ExAC 0.00001; gnomAD 0.00001.

Submissions (2):

Labcorp Genetics (formerly Invitae), Labcorp
Classification: Likely benign for Wiskott-Aldrich syndrome; X-linked severe congenital neutropenia; Thrombocytopenia 1. Last evaluated: 2023-07-15. Review status: criteria provided, single submitter. Criteria: Invitae Variant Classification Sherloc (09022015). Collection method: clinical testing. Allele origin: germline.

PreventionGenetics, part of Exact Sciences
Classification: Uncertain significance for WAS-related condition. Last evaluated: 2023-06-02. Review status: criteria provided, single submitter. Criteria: ACMG Guidelines, 2015. Collection method: clinical testing. Allele origin: germline.
Comment: The WAS c.632G>A variant is predicted to result in the amino acid substitution p.Arg211Gln. To our knowledge, this variant has not been reported in the literature. This variant is reported in 0.0067% of alleles in individuals of East Asian descent in gnomAD. At this time, the clinical significance of this variant is uncertain due to the absence of conclusive functional and genetic evidence.